The following is an entry in ClinVar:

ClinVar aggregate classification (germline): Uncertain significance (1 of 4 stars; one submission).

Conditions:
Early-infantile DEE. Also called: Early infantile epileptic encephalopathy; Ohtahara syndrome; Early infantile epileptic encephalopathy with suppression bursts. Identifiers: Orphanet 1934, MedGen C0393706, MONDO:0800491.

gnomAD v4.1: 3 of 1,613,542 alleles (0.00019%); highest among the groups gnomAD compares: Non-Finnish European, 0.00025%; no homozygotes.

Submission:

Labcorp Genetics (formerly Invitae), Labcorp
Classification: Uncertain significance for Early-infantile DEE. Last evaluated: 2021-12-22. Review status: criteria provided, single submitter. Criteria: Invitae Variant Classification Sherloc (09022015). Collection method: clinical testing. Allele origin: germline.
Comment: Advanced modeling of protein sequence and biophysical properties (such as structural, functional, and spatial information, amino acid conservation, physicochemical variation, residue mobility, and thermodynamic stability) performed at Invitae indicates that this missense variant is not expected to disrupt SCN1A protein function. This missense change has been observed in individual(s) with clinical features of epileptic encephalopathy (Invitae). This variant is present in population databases (no rsID available, gnomAD 0.0009%). This sequence change replaces glutamic acid, which is acidic and polar, with lysine, which is basic and polar, at codon 1998 of the SCN1A protein (p.Glu1998Lys). In summary, the available evidence is currently insufficient to determine the role of this variant in disease. Therefore, it has been classified as a Variant of Uncertain Significance.

NM_001165963.4(SCN1A):c.5992G>A (p.Glu1998Lys)

Genes: SCN1A (sodium voltage-gated channel alpha subunit 1; minus strand), LOC102724058 (uncharacterized LOC102724058; plus strand). Cytogenetic location: 2q24.3.
Variant type: single nucleotide variant.
Coding change: c.5992G>A on transcript NM_001165963.4 (MANE Select); coding-DNA position 5992, G replaced by A.
Protein change: p.Glu1998Lys; replaces glutamic acid 1998 with lysine.
Molecular consequence: missense variant. On other transcripts: non-coding transcript variant (1).
Genome position (GRCh38, 1-based): chr2:165,991,283, C>T on the plus strand (G>A on the coding strand, the complement: SCN1A is on the minus strand). VCF-style: chr2-165991283-C-T. GRCh37 (hg19) VCF-style: chr2-166847793-C-T.
Other names: c.5908G>A, p.Glu1970Lys (NM_001165964.3, NM_001353957.2, NM_001353958.2); c.5992G>A, p.Glu1998Lys (NM_001202435.3, NM_001353948.2); c.5959G>A, p.Glu1987Lys (NM_001353949.2, NM_001353950.2, NM_001353951.2 and 2 more transcripts); c.5956G>A, p.Glu1986Lys (NM_001353954.2, NM_001353955.2); c.5905G>A, p.Glu1969Lys (NM_001353960.2); c.3550G>A, p.Glu1184Lys (NM_001353961.2); short protein forms E1184K, E1986K, E1970K, E1969K, E1987K, E1998K.
Identifiers: ClinVar variation 2053516 (VCV002053516.4), dbSNP rs886055041, ClinGen allele CA349063016.